The following is an entry in ClinVar:

ClinVar aggregate classification (germline): Uncertain significance (1 of 4 stars; one submission).

gnomAD v4.1: 3 of 1,595,102 alleles (0.00019%); highest among the groups gnomAD compares: Non-Finnish European, 0.00026%; no homozygotes.

Submission:

Labcorp Genetics (formerly Invitae), Labcorp
Classification: Uncertain significance. Last evaluated: 2025-03-10. Review status: criteria provided, single submitter. Criteria: Invitae Variant Classification Sherloc (09022015). Collection method: clinical testing. Allele origin: germline.
Comment: This sequence change replaces arginine, which is basic and polar, with leucine, which is neutral and non-polar, at codon 7 of the CLUAP1 protein (p.Arg7Leu). The frequency data for this variant in the population databases is considered unreliable, as metrics indicate poor data quality at this position in the gnomAD database. This variant has not been reported in the literature in individuals affected with CLUAP1-related conditions. An algorithm developed to predict the effect of missense changes on protein structure and function (PolyPhen-2) suggests that this variant is likely to be tolerated. In summary, the available evidence is currently insufficient to determine the role of this variant in disease. Therefore, it has been classified as a Variant of Uncertain Significance.

NM_015041.3(CLUAP1):c.20G>T (p.Arg7Leu)

Genes: CLUAP1 (clusterin associated protein 1; plus strand), LOC130058340 (ATAC-STARR-seq lymphoblastoid active region 10324; plus strand). Cytogenetic location: 16p13.3.
Variant type: single nucleotide variant.
Coding change: c.20G>T on transcript NM_015041.3 (MANE Select); coding-DNA position 20, G replaced by T.
Protein change: p.Arg7Leu; replaces arginine 7 with leucine.
Molecular consequence: missense variant.
Genome position (GRCh38, 1-based): chr16:3,501,087, G>T. VCF-style: chr16-3501087-G-T. GRCh37 (hg19) VCF-style: chr16-3551087-G-T.
Other names: c.20G>T, p.Arg7Leu (NM_001330454.2); short protein forms R7L.
Identifiers: ClinVar variation 4711944 (VCV004711944.1).
Genomic context (GRCh38, chr16:3,501,087, plus strand): 5'-GCGAGCAGTTGCGACCCTGGGCTCCTGGGGACCTGAGCGTTATGTCTTTCCGCGACCTCC[G>T]CAGTAAGGCAGCCCCGCGCCCCTGTGACCTGCGGGTCTTCCAGAGATTCAGGGCTCCCGC-3'
Protein context (NP_055856.1, residues 1-17): MSFRDL[Arg7Leu]NFTEMMRALG